The following is an entry in ClinVar:

ClinVar aggregate classification (germline): Uncertain significance (1 of 4 stars; one submission).

Conditions:
Generalized epilepsy with febrile seizures plus, type 7 (GEFSP7). Also called: GEFS+, TYPE 7. Identifiers: Orphanet 36387, MedGen C2751778, MONDO:0013470, OMIM 613863.
Neuropathy, hereditary sensory and autonomic, type 2A (HSAN2A). Also called: HSAN IIA; ACROOSTEOLYSIS, GIACCAI TYPE; ACROOSTEOLYSIS, NEUROGENIC; MORVAN DISEASE; NEUROPATHY, CONGENITAL SENSORY; NEUROPATHY, HEREDITARY SENSORY RADICULAR, AUTOSOMAL RECESSIVE. Identifiers: Orphanet 970, MedGen C2752089, MONDO:0024309, OMIM 201300.

Allele frequency attached by ClinVar (database versions not stated): TOPMed below 0.00001; gnomAD 0.00001.
gnomAD v4.1: 1 of 1,613,898 alleles (0.000062%); highest among the groups gnomAD compares: Admixed American, 0.0017%; no homozygotes.

Submission:

Labcorp Genetics (formerly Invitae), Labcorp
Classification: Uncertain significance for Neuropathy, hereditary sensory and autonomic, type 2A; Generalized epilepsy with febrile seizures plus, type 7. Last evaluated: 2025-08-15. Review status: criteria provided, single submitter. Criteria: Invitae Variant Classification Sherloc (09022015). Collection method: clinical testing. Allele origin: germline.
Comment: This sequence change replaces isoleucine, which is neutral and non-polar, with leucine, which is neutral and non-polar, at codon 602 of the SCN9A protein (p.Ile602Leu). This variant is not present in population databases (gnomAD no frequency). This variant has not been reported in the literature in individuals affected with SCN9A-related conditions. ClinVar contains an entry for this variant (Variation ID: 1716229). Invitae Evidence Modeling of protein sequence and biophysical properties (such as structural, functional, and spatial information, amino acid conservation, physicochemical variation, residue mobility, and thermodynamic stability) indicates that this missense variant is not expected to disrupt SCN9A protein function with a negative predictive value of 95%. In summary, the available evidence is currently insufficient to determine the role of this variant in disease. Therefore, it has been classified as a Variant of Uncertain Significance.

NM_001365536.1(SCN9A):c.1804A>C (p.Ile602Leu)

Genes: SCN9A (sodium voltage-gated channel alpha subunit 9; minus strand), SCN1A-AS1 (SCN1A and SCN9A antisense RNA 1; plus strand). Cytogenetic location: 2q24.3.
Variant type: single nucleotide variant.
Coding change: c.1804A>C on transcript NM_001365536.1 (MANE Select); coding-DNA position 1804, A replaced by C.
Protein change: p.Ile602Leu; replaces isoleucine 602 with leucine.
Molecular consequence: missense variant.
Genome position (GRCh38, 1-based): chr2:166,284,623, T>G on the plus strand (A>C on the coding strand, the complement: SCN9A is on the minus strand). VCF-style: chr2-166284623-T-G. GRCh37 (hg19) VCF-style: chr2-167141133-T-G.
Other names: c.1804A>C, p.Ile602Leu (NM_002977.4); short protein forms I602L.
Identifiers: ClinVar variation 1716229 (VCV001716229.6), dbSNP rs1697648880, ClinGen allele CA349083165.